The following is an entry in ClinVar:

ClinVar aggregate classification (germline): Pathogenic (1 of 4 stars; one submission).

Conditions:
Osteogenesis imperfecta type I (OI1). Also called: Lobstein's Disease; Classic Non-deforming Osteogenesis Imperfecta with Blue Sclerae; Lobstein disease; OI, TYPE I; OSTEOGENESIS IMPERFECTA TARDA; OSTEOGENESIS IMPERFECTA WITH BLUE SCLERAE. Identifiers: Orphanet 216796, Orphanet 666, MedGen C0023931, MONDO:0008146, OMIM 166200. Disease mechanism: loss of function.
Ehlers-Danlos syndrome, classic type, 1 (EDSCL1). Also called: Ehlers-Danlos syndrome, type 1; Ehlers-Danlos Syndrome, Classic Type, COL5A1-Related; EDS I; EHLERS-DANLOS SYNDROME, GRAVIS TYPE; EHLERS-DANLOS SYNDROME, SEVERE CLASSIC TYPE. Identifiers: MedGen C0268335, MONDO:0019567, OMIM 130000.

Submission:

Labcorp Genetics (formerly Invitae), Labcorp
Classification: Pathogenic for Osteogenesis imperfecta type I; Ehlers-Danlos syndrome, classic type, 1. Last evaluated: 2023-06-03. Review status: criteria provided, single submitter. Criteria: Invitae Variant Classification Sherloc (09022015). Collection method: clinical testing. Allele origin: germline.
Comment: For these reasons, this variant has been classified as Pathogenic. This variant disrupts the triple helix domain of COL1A2. Glycine residues within the Gly-Xaa-Yaa repeats of the triple helix domain are required for the structure and stability of fibrillar collagens (PMID: 7695699, 8218237, 19344236). In COL1A2, variants affecting these glycine residues are significantly enriched in individuals with disease (PMID: 9016532, 17078022) compared to the general population (ExAC). Advanced modeling of protein sequence and biophysical properties (such as structural, functional, and spatial information, amino acid conservation, physicochemical variation, residue mobility, and thermodynamic stability) performed at Invitae indicates that this missense variant is expected to disrupt COL1A2 protein function. ClinVar contains an entry for this variant (Variation ID: 839286). This missense change has been observed in individuals with osteogenesis imperfecta (PMID: 26627451; Invitae). This variant is not present in population databases (gnomAD no frequency). This sequence change replaces glycine, which is neutral and non-polar, with aspartic acid, which is acidic and polar, at codon 112 of the COL1A2 protein (p.Gly112Asp).

Literature cited by the submitters: PubMed 7695699; PubMed 8218237; PubMed 19344236; PubMed 9016532; PubMed 17078022; PubMed 26627451.

NM_000089.4(COL1A2):c.335G>A (p.Gly112Asp)

Gene: COL1A2 (collagen type I alpha 2 chain; plus strand). Cytogenetic location: 7q21.3.
Variant type: single nucleotide variant.
Coding change: c.335G>A on transcript NM_000089.4 (MANE Select); coding-DNA position 335, G replaced by A.
Protein change: p.Gly112Asp; replaces glycine 112 with aspartic acid.
Molecular consequence: missense variant.
Genome position (GRCh38, 1-based): chr7:94,404,703, G>A. VCF-style: chr7-94404703-G-A. GRCh37 (hg19) VCF-style: chr7-94034015-G-A.
Other names: short protein forms G112D.
Identifiers: ClinVar variation 839286 (VCV000839286.11), dbSNP rs1791759246, ClinGen allele CA368219541.